The following is an entry in ClinVar:

NM_199355.4(ADAMTS18):c.179-2A>G

Gene: ADAMTS18 (ADAM metallopeptidase with thrombospondin type 1 motif 18; minus strand). Cytogenetic location: 16q23.1.
Variant type: single nucleotide variant.
Coding change: c.179-2A>G on transcript NM_199355.4 (MANE Select); the canonical splice acceptor site of the intron before coding-DNA position 179, A replaced by G.
Molecular consequence: splice acceptor variant.
Genome position (GRCh38, 1-based): chr16:77,431,613, T>C on the plus strand (A>G on the coding strand, the complement: ADAMTS18 is on the minus strand). VCF-style: chr16-77431613-T-C. GRCh37 (hg19) VCF-style: chr16-77465510-T-C.
Other names: c.-342-2A>G (NM_001326358.2).
Identifiers: ClinVar variation 2130644 (VCV002130644.4), dbSNP rs2543879829, ClinGen allele CA396851648.

ClinVar aggregate classification (germline): Likely pathogenic (1 of 4 stars; one submission).

Submission:

Labcorp Genetics (formerly Invitae), Labcorp
Classification: Likely pathogenic. Last evaluated: 2022-04-25. Review status: criteria provided, single submitter. Criteria: Invitae Variant Classification Sherloc (09022015). Collection method: clinical testing. Allele origin: germline.
Comment: This sequence change affects an acceptor splice site in intron 2 of the ADAMTS18 gene. It is expected to disrupt RNA splicing. Variants that disrupt the donor or acceptor splice site typically lead to a loss of protein function (PMID: 16199547), and loss-of-function variants in ADAMTS18 are known to be pathogenic (PMID: 23818446, 24874986). This variant is not present in population databases (gnomAD no frequency). This variant has not been reported in the literature in individuals affected with ADAMTS18-related conditions. Algorithms developed to predict the effect of sequence changes on RNA splicing suggest that this variant may disrupt the consensus splice site. In summary, the currently available evidence indicates that the variant is pathogenic, but additional data are needed to prove that conclusively. Therefore, this variant has been classified as Likely Pathogenic.

Literature cited by the submitters: PubMed 16199547; PubMed 23818446; PubMed 24874986.